The following is an entry in ClinVar:

ClinVar aggregate classification (germline): Uncertain significance (1 of 4 stars; one submission).

Conditions:
Hypertrophic cardiomyopathy. Also called: HYPERTROPHIC MYOCARDIOPATHY. Identifiers: Orphanet 217569, MedGen C0007194, MeSH D002312, MONDO:0005045, HP:0001639.

Submission:

Labcorp Genetics (formerly Invitae), Labcorp
Classification: Uncertain significance for Hypertrophic cardiomyopathy. Last evaluated: 2021-12-01. Review status: criteria provided, single submitter. Criteria: Invitae Variant Classification Sherloc (09022015). Collection method: clinical testing. Allele origin: germline.
Comment: Algorithms developed to predict the effect of missense changes on protein structure and function (SIFT, PolyPhen-2, Align-GVGD) all suggest that this variant is likely to be tolerated. In summary, the available evidence is currently insufficient to determine the role of this variant in disease. Therefore, it has been classified as a Variant of Uncertain Significance. This variant has not been reported in the literature in individuals affected with JPH2-related conditions. This variant is not present in population databases (gnomAD no frequency). This sequence change replaces alanine, which is neutral and non-polar, with threonine, which is neutral and polar, at codon 544 of the JPH2 protein (p.Ala544Thr).

NM_020433.5(JPH2):c.1630G>A (p.Ala544Thr)

Gene: JPH2 (junctophilin 2; minus strand). Cytogenetic location: 20q13.12.
Variant type: single nucleotide variant.
Coding change: c.1630G>A on transcript NM_020433.5 (MANE Select); coding-DNA position 1630, G replaced by A.
Protein change: p.Ala544Thr; replaces alanine 544 with threonine.
Molecular consequence: missense variant.
Genome position (GRCh38, 1-based): chr20:44,116,045, C>T on the plus strand (G>A on the coding strand, the complement: JPH2 is on the minus strand). VCF-style: chr20-44116045-C-T. GRCh37 (hg19) VCF-style: chr20-42744685-C-T.
Other names: short protein forms A544T.
Identifiers: ClinVar variation 1475955 (VCV001475955.6), dbSNP rs761535957, ClinGen allele CA409100244.